The following is an entry in ClinVar:

ClinVar aggregate classification (germline): Uncertain significance (1 of 4 stars; one submission).

Submission:

Women's Health and Genetics/Laboratory Corporation of America, LabCorp
Classification: Uncertain significance. Last evaluated: 2024-04-01. Review status: criteria provided, single submitter. Criteria: LabCorp Variant Classification Summary - May 2015. Collection method: clinical testing. Allele origin: germline.
Comment: Variant summary: ALPL c.1195G>C (p.Ala399Pro) results in a non-conservative amino acid change in the encoded protein sequence. Five of five in-silico tools predict a damaging effect of the variant on protein function. The variant was absent in 251404 control chromosomes. The available data on variant occurrences in the general population are insufficient to allow any conclusion about variant significance. To our knowledge, no occurrence of c.1195G>C in individuals affected with Hypophosphatasia and no experimental evidence demonstrating its impact on protein function have been reported. No submitters have cited clinical-significance assessments for this variant to ClinVar. Based on the evidence outlined above, the variant was classified as uncertain significance.

NM_000478.6(ALPL):c.1195G>C (p.Ala399Pro)

Gene: ALPL (alkaline phosphatase, biomineralization associated; plus strand). Cytogenetic location: 1p36.12.
Variant type: single nucleotide variant.
Coding change: c.1195G>C on transcript NM_000478.6 (MANE Select); coding-DNA position 1195, G replaced by C.
Protein change: p.Ala399Pro; replaces alanine 399 with proline.
Molecular consequence: missense variant.
Genome position (GRCh38, 1-based): chr1:21,576,527, G>C. VCF-style: chr1-21576527-G-C. GRCh37 (hg19) VCF-style: chr1-21903020-G-C.
Other names: c.1030G>C, p.Ala344Pro (NM_001127501.4); c.964G>C, p.Ala322Pro (NM_001177520.3); c.1195G>C, p.Ala399Pro (NM_001369803.2, NM_001369804.2, NM_001369805.2); short protein forms A322P, A344P, A399P.
Identifiers: ClinVar variation 3251613 (VCV003251613.1), dbSNP rs2148192290.